The following is an entry in ClinVar:

ClinVar aggregate classification (germline): Uncertain significance (1 of 4 stars; one submission).

Conditions:
Tuberous sclerosis 1 (TSC1). Identifiers: Orphanet 805, MedGen C1854465, MONDO:0008612, OMIM 191100.

Submission:

Labcorp Genetics (formerly Invitae), Labcorp
Classification: Uncertain significance for Tuberous sclerosis 1. Last evaluated: 2023-10-10. Review status: criteria provided, single submitter. Criteria: Invitae Variant Classification Sherloc (09022015). Collection method: clinical testing. Allele origin: germline.
Comment: This sequence change replaces glutamic acid, which is acidic and polar, with aspartic acid, which is acidic and polar, at codon 1064 of the TSC1 protein (p.Glu1064Asp). This variant is not present in population databases (gnomAD no frequency). This variant has not been reported in the literature in individuals affected with TSC1-related conditions. Algorithms developed to predict the effect of missense changes on protein structure and function output the following: SIFT: "Not Available"; PolyPhen-2: "Benign"; Align-GVGD: "Not Available". The aspartic acid amino acid residue is found in multiple mammalian species, which suggests that this missense change does not adversely affect protein function. In summary, the available evidence is currently insufficient to determine the role of this variant in disease. Therefore, it has been classified as a Variant of Uncertain Significance.

NM_000368.5(TSC1):c.3192G>T (p.Glu1064Asp)

Gene: TSC1 (TSC complex subunit 1; minus strand). Cytogenetic location: 9q34.13.
Variant type: single nucleotide variant.
Coding change: c.3192G>T on transcript NM_000368.5 (MANE Select); coding-DNA position 3192, G replaced by T.
Protein change: p.Glu1064Asp; replaces glutamic acid 1064 with aspartic acid.
Molecular consequence: missense variant. On other transcripts: non-coding transcript variant (5).
Genome position (GRCh38, 1-based): chr9:132,896,538, C>A on the plus strand (G>T on the coding strand, the complement: TSC1 is on the minus strand). VCF-style: chr9-132896538-C-A. GRCh37 (hg19) VCF-style: chr9-135771925-C-A.
Other names: c.3150G>T, p.Glu1050Asp (NM_001406605.1, NM_001406606.1, NM_001406607.1); c.3147G>T, p.Glu1049Asp (NM_001406608.1, NM_001406609.1); c.3039G>T, p.Glu1013Asp (NM_001406610.1, NM_001162427.2); c.3036G>T, p.Glu1012Asp (NM_001406611.1, NM_001406612.1); c.2994G>T, p.Glu998Asp (NM_001406613.1); c.3192G>T, p.Glu1064Asp (NM_001406595.1, NM_001406596.1, NM_001406592.1 and 2 more transcripts); c.3189G>T, p.Glu1063Asp (NM_001406597.1, NM_001406598.1, NM_001406599.1 and 2 more transcripts); c.3177G>T, p.Glu1059Asp (NM_001406601.1, NM_001406602.1); and 8 more; short protein forms E1058D, E929D, E998D, E1012D, E1013D, E1063D, E713D, E747D.
Identifiers: ClinVar variation 2760221 (VCV002760221.3), dbSNP rs2131602580, ClinGen allele CA375367071.
Genomic context (GRCh38, chr9:132,896,538, plus strand): 5'-TGAACTGGGAAGTGAGCCCACAGTGGTGGGGATGCTGGCAGACGCTTCTCCCATAGTCGT[C>A]TCCCACCGACTGCTGAATGGGCCTGCCCTCTGGTGTGGGGGTTTCTCTGGGGTAGAAAGC-3'
Protein context (NP_000359.1, residues 1054-1074): QRAGPFSSRW[Glu1064Asp]TTMGEASASI